The following is an entry in ClinVar:

NM_000059.4(BRCA2):c.4508T>C (p.Leu1503Pro)

Gene: BRCA2 (BRCA2 DNA repair associated; plus strand). Cytogenetic location: 13q13.1.
Variant type: single nucleotide variant.
Coding change: c.4508T>C on transcript NM_000059.4 (MANE Select); coding-DNA position 4508, T replaced by C.
Protein change: p.Leu1503Pro; replaces leucine 1503 with proline.
Molecular consequence: missense variant.
Genome position (GRCh38, 1-based): chr13:32,338,863, T>C. VCF-style: chr13-32338863-T-C. GRCh37 (hg19) VCF-style: chr13-32913000-T-C.
Other names: short protein forms L1503P.
Identifiers: ClinVar variation 462342 (VCV000462342.12), dbSNP rs1555283814, ClinGen allele CA387781611.

ClinVar aggregate classification (germline): Conflicting classifications of pathogenicity. Review status: criteria provided, conflicting classifications (1 of 4 stars). 4 submissions from 4 submitters: Uncertain significance (3); Likely benign (1). Last evaluated 2025-05-23.

Conditions:
Hereditary breast ovarian cancer syndrome. Also called: Hereditary breast and ovarian cancer syndrome (HBOC); Hereditary breast and ovarian cancer syndrome; Breast and ovarian cancer; Hereditary breast and/or ovarian cancer syndrome; Hereditary breast and ovarian cancer; BRCA1- and BRCA2-Associated Hereditary Breast and Ovarian Cancer. Identifiers: Orphanet 145, MedGen C0677776, MeSH D061325, MONDO:0003582. Disease mechanism: loss of function.
Hereditary cancer-predisposing syndrome. Also called: Neoplastic Syndromes, Hereditary; Hereditary Cancer Syndrome; Hereditary neoplastic syndrome; Tumor predisposition. Identifiers: Orphanet 140162, MedGen C0027672, MeSH D009386, MONDO:0015356.

Allele frequency attached by ClinVar (database versions not stated): gnomAD exomes below 0.00001; TOPMed below 0.00001; gnomAD 0.00001.
gnomAD v4.1: 2 of 1,613,814 alleles (0.00012%); highest among the groups gnomAD compares: East Asian, 0.0022%; no homozygotes.

Submissions (4):

GeneDx
Classification: Uncertain significance. Last evaluated: 2025-05-23. Review status: criteria provided, single submitter. Criteria: GeneDx Variant Classification Process June 2021. Collection method: clinical testing. Allele origin: germline. Affected: yes.
Comment: Not observed at significant frequency in large population cohorts (gnomAD); In silico analysis supports that this missense variant has a deleterious effect on protein structure/function; Has not been previously published as pathogenic or benign to our knowledge; Also known as 4736T>C

Ambry Genetics
Classification: Uncertain significance for Hereditary cancer-predisposing syndrome. Last evaluated: 2024-01-30. Review status: criteria provided, single submitter. Criteria: Ambry Variant Classification Scheme 2023. Collection method: clinical testing. Allele origin: germline.
Comment: The p.L1503P variant (also known as c.4508T>C), located in coding exon 10 of the BRCA2 gene, results from a T to C substitution at nucleotide position 4508. The leucine at codon 1503 is replaced by proline, an amino acid with similar properties. This amino acid position is conserved. In addition, this alteration is predicted to be tolerated by in silico analysis. Based on the available evidence, the clinical significance of this alteration remains unclear.

Labcorp Genetics (formerly Invitae), Labcorp
Classification: Uncertain significance for Hereditary breast ovarian cancer syndrome. Last evaluated: 2023-09-19. Review status: criteria provided, single submitter. Criteria: Invitae Variant Classification Sherloc (09022015). Collection method: clinical testing. Allele origin: germline.
Comment: In summary, the available evidence is currently insufficient to determine the role of this variant in disease. Therefore, it has been classified as a Variant of Uncertain Significance. This sequence change replaces leucine, which is neutral and non-polar, with proline, which is neutral and non-polar, at codon 1503 of the BRCA2 protein (p.Leu1503Pro). This variant is not present in population databases (gnomAD no frequency). This variant has not been reported in the literature in individuals affected with BRCA2-related conditions. ClinVar contains an entry for this variant (Variation ID: 462342). Advanced modeling of protein sequence and biophysical properties (such as structural, functional, and spatial information, amino acid conservation, physicochemical variation, residue mobility, and thermodynamic stability) performed at Invitae indicates that this missense variant is not expected to disrupt BRCA2 protein function.

University of Washington Department of Laboratory Medicine, University of Washington
Classification: Likely benign for Hereditary cancer-predisposing syndrome. Last evaluated: 2023-03-23. Review status: criteria provided, single submitter. Criteria: Dines et al. (Genet Med. 2020). Collection method: curation. Allele origin: germline.
Comment: Missense variant in a coldspot region where missense variants are very unlikely to be pathogenic (PMID:31911673).

BRCA2 exon 11 coldspot. Reclassification based on statistical prior probability.